The following is an entry in ClinVar:

ClinVar aggregate classification (germline): Conflicting classifications of pathogenicity. Review status: criteria provided, conflicting classifications (1 of 4 stars). 4 submissions from 4 submitters: Uncertain significance (1); Likely benign (2). 1 of the submissions does not count toward it. Last evaluated 2025-01-20.

Conditions:
KIF1A-related disorder. Also called: KIF1A-related disorders; KIF1A-related condition.
Hereditary spastic paraplegia 30. Identifiers: Orphanet 101010, MedGen C5235139, MONDO:0012476.
Neuropathy, hereditary sensory, type 2C. Also called: Hereditary sensory and autonomic neuropathy type IIC; KIF1A-Related HSAN2 (HSAN2C). Identifiers: Orphanet 970, MedGen C3280168, MONDO:0013634, OMIM 614213.
Intellectual disability, autosomal dominant 9 (NESCAVS). Also called: NESCAV SYNDROME; KIF1A-Related Neurodevelopmental Disorder. Identifiers: Orphanet 662367, MedGen C5393830, MONDO:0013656, OMIM 614255.

Allele frequency attached by ClinVar (database versions not stated): gnomAD exomes 0.00001 and 0.00003; ExAC 0.00002; TOPMed 0.00004; gnomAD 0.00005; 1000 Genomes Project 0.00040; 1000 Genomes Project 30x 0.00047.
gnomAD v4.1: 36 of 1,613,344 alleles (0.0022%); highest among the groups gnomAD compares: East Asian, 0.011%; no homozygotes.

Submissions (4):

Labcorp Genetics (formerly Invitae), Labcorp
Classification: Likely benign for Hereditary spastic paraplegia 30; Neuropathy, hereditary sensory, type 2C; Intellectual disability, autosomal dominant 9. Last evaluated: 2025-01-20. Review status: criteria provided, single submitter. Criteria: Invitae Variant Classification Sherloc (09022015). Collection method: clinical testing. Allele origin: germline.

GeneDx
Classification: Likely benign. Last evaluated: 2020-12-31. Review status: criteria provided, single submitter. Criteria: GeneDx Variant Classification Process June 2021. Collection method: clinical testing. Allele origin: germline. Affected: yes.

Illumina Laboratory Services, Illumina
Classification: Uncertain significance for Spastic paraplegia 30A, autosomal dominant. Last evaluated: 2018-01-13. Review status: criteria provided, single submitter. Criteria: ICSL Variant Classification Criteria 13 December 2019. Collection method: clinical testing. Allele origin: germline.

PreventionGenetics, part of Exact Sciences
Classification: Likely benign for KIF1A-related condition. Last evaluated: 2019-06-24. Review status: no assertion criteria provided. Collection method: clinical testing. Allele origin: germline. Not counted in ClinVar's aggregate classification.
Comment: This variant is classified as likely benign based on ACMG/AMP sequence variant interpretation guidelines (Richards et al. 2015 PMID: 25741868, with internal and published modifications).

NM_001244008.2(KIF1A):c.1266C>T (p.Arg422=)

Gene: KIF1A (kinesin family member 1A; minus strand). Cytogenetic location: 2q37.3.
Variant type: single nucleotide variant.
Coding change: c.1266C>T on transcript NM_001244008.2 (MANE Select); coding-DNA position 1266, C replaced by T.
Protein change: p.Arg422=; no amino-acid change (arginine 422 retained).
Molecular consequence: synonymous variant.
Genome position (GRCh38, 1-based): chr2:240,771,046, G>A on the plus strand (C>T on the coding strand, the complement: KIF1A is on the minus strand). VCF-style: chr2-240771046-G-A. GRCh37 (hg19) VCF-style: chr2-241710463-G-A.
Other names: c.1266C>T (NM_001244008.1); c.1266C>T, p.Arg422= (NM_001320705.2, NM_001330289.2, NM_001379638.1); c.1341C>T, p.Arg447= (NM_001330290.2, NM_001379631.1, NM_001379634.1 and 2 more transcripts); c.1239C>T, p.Arg413= (NM_001379632.1, NM_001379633.1, NM_001379636.1 and 10 more transcripts); c.1314C>T, p.Arg438= (NM_001379637.1, NM_001379648.1).
Identifiers: ClinVar variation 858148 (VCV000858148.15), dbSNP rs190195227, ClinGen allele CA2208465.